The following is an entry in ClinVar:

NM_130810.4(DNAAF4):c.760T>A (p.Ser254Thr)

Genes: DNAAF4 (dynein axonemal assembly factor 4; minus strand), DNAAF4-CCPG1 (DNAAF4-CCPG1 readthrough (NMD candidate); minus strand). Cytogenetic location: 15q21.3.
Variant type: single nucleotide variant.
Coding change: c.760T>A on transcript NM_130810.4 (MANE Select); coding-DNA position 760, T replaced by A.
Protein change: p.Ser254Thr; replaces serine 254 with threonine.
Molecular consequence: missense variant. On other transcripts: non-coding transcript variant (1).
Genome position (GRCh38, 1-based): chr15:55,450,245, A>T on the plus strand (T>A on the coding strand, the complement: DNAAF4 is on the minus strand). VCF-style: chr15-55450245-A-T. GRCh37 (hg19) VCF-style: chr15-55742443-A-T.
Other names: c.760T>A, p.Ser254Thr (NM_001033559.3, NM_001033560.2); short protein forms S254T.
Identifiers: ClinVar variation 525402 (VCV000525402.10), dbSNP rs746060028, ClinGen allele CA392550622.
Genomic context (GRCh38, chr15:55,450,245, plus strand): 5'-CATTTGTGGTAATTGTAACTAGAGTAAGTATATATACCTCCTCCTCTTCTGCTACTTGTG[A>T]TTCACGAAGAGCTGTTGGGAATACTCGAGGGGTAAAGTTGATTTTAATACTGCCAACAGA-3'
Protein context (NP_570722.2, residues 244-264): PRVFPTALRE[Ser254Thr]QVAEEEEWLH

ClinVar aggregate classification (germline): Uncertain significance. Review status: criteria provided, multiple submitters, no conflicts (2 of 4 stars). 3 submissions from 3 submitters: Uncertain significance (3). Last evaluated 2025-12-22.

Conditions:
Inborn genetic diseases. Identifiers: MedGen C0950123, MeSH D030342.

Allele frequency attached by ClinVar (database versions not stated): TOPMed below 0.00001; gnomAD 0.00001.
gnomAD v4.1: 104 of 1,612,426 alleles (0.0064%); highest among the groups gnomAD compares: Non-Finnish European, 0.0084%; no homozygotes.

Submissions (3):

Ambry Genetics
Classification: Uncertain significance for Inborn genetic diseases. Last evaluated: 2025-12-22. Review status: criteria provided, single submitter. Criteria: Ambry Variant Classification Scheme 2023. Collection method: clinical testing. Allele origin: germline.

Labcorp Genetics (formerly Invitae), Labcorp
Classification: Uncertain significance. Last evaluated: 2022-08-31. Review status: criteria provided, single submitter. Criteria: Invitae Variant Classification Sherloc (09022015). Collection method: clinical testing. Allele origin: germline.
Comment: This sequence change replaces serine, which is neutral and polar, with threonine, which is neutral and polar, at codon 254 of the DYX1C1 protein (p.Ser254Thr). This variant is present in population databases (no rsID available, gnomAD 0.007%). This variant has not been reported in the literature in individuals affected with DYX1C1-related conditions. ClinVar contains an entry for this variant (Variation ID: 525402). Algorithms developed to predict the effect of missense changes on protein structure and function (SIFT, PolyPhen-2, Align-GVGD) all suggest that this variant is likely to be disruptive. In summary, the available evidence is currently insufficient to determine the role of this variant in disease. Therefore, it has been classified as a Variant of Uncertain Significance.

GeneDx
Classification: Uncertain significance. Last evaluated: 2022-01-10. Review status: criteria provided, single submitter. Criteria: GeneDx Variant Classification Process June 2021. Collection method: clinical testing. Allele origin: germline. Affected: yes.
Comment: Not observed at significant frequency in large population cohorts (gnomAD); In silico analysis supports that this missense variant has a deleterious effect on protein structure/function; Has not been previously published as pathogenic or benign to our knowledge